The following is an entry in ClinVar:

NM_001372.4(DNAH9):c.1058G>A (p.Arg353His)

Gene: DNAH9 (dynein axonemal heavy chain 9; plus strand). Cytogenetic location: 17p12.
Variant type: single nucleotide variant.
Coding change: c.1058G>A on transcript NM_001372.4 (MANE Select); coding-DNA position 1058, G replaced by A.
Protein change: p.Arg353His; replaces arginine 353 with histidine.
Molecular consequence: missense variant.
Genome position (GRCh38, 1-based): chr17:11,617,564, G>A. VCF-style: chr17-11617564-G-A. GRCh37 (hg19) VCF-style: chr17-11520881-G-A.
Other names: c.1058G>A (NM_001372.3); short protein forms R353H.
Identifiers: ClinVar variation 1464803 (VCV001464803.5), dbSNP rs771418052, ClinGen allele CA8394742.

ClinVar aggregate classification (germline): Uncertain significance. Review status: criteria provided, multiple submitters, no conflicts (2 of 4 stars). 3 submissions from 3 submitters: Uncertain significance (3). Last evaluated 2026-04-20.

Conditions:
Inborn genetic diseases. Identifiers: MedGen C0950123, MeSH D030342.

Allele frequency attached by ClinVar (database versions not stated): gnomAD 0.00003; ExAC 0.00010; TOPMed 0.00003.
gnomAD v4.1: 51 of 1,613,978 alleles (0.0032%); highest among the groups gnomAD compares: Middle Eastern, 0.016%; no homozygotes.

Submissions (3):

GeneDx
Classification: Uncertain significance. Last evaluated: 2026-04-20. Review status: criteria provided, single submitter. Criteria: GeneDx Variant Classification Process June 2021. Collection method: clinical testing. Allele origin: germline.
Comment: In silico analysis suggests that this missense variant does not alter protein structure/function; Has not been previously published as pathogenic or benign to our knowledge

Ambry Genetics
Classification: Uncertain significance for Inborn genetic diseases. Last evaluated: 2025-01-24. Review status: criteria provided, single submitter. Criteria: Ambry Variant Classification Scheme 2023. Collection method: clinical testing. Allele origin: germline.

Labcorp Genetics (formerly Invitae), Labcorp
Classification: Uncertain significance. Last evaluated: 2022-07-19. Review status: criteria provided, single submitter. Criteria: Invitae Variant Classification Sherloc (09022015). Collection method: clinical testing. Allele origin: germline.
Comment: This sequence change replaces arginine, which is basic and polar, with histidine, which is basic and polar, at codon 353 of the DNAH9 protein (p.Arg353His). This variant is present in population databases (rs771418052, gnomAD 0.05%). This variant has not been reported in the literature in individuals affected with DNAH9-related conditions. ClinVar contains an entry for this variant (Variation ID: 1464803). Algorithms developed to predict the effect of missense changes on protein structure and function are either unavailable or do not agree on the potential impact of this missense change (SIFT: "Deleterious"; PolyPhen-2: "Benign"; Align-GVGD: "Class C0"). In summary, the available evidence is currently insufficient to determine the role of this variant in disease. Therefore, it has been classified as a Variant of Uncertain Significance.